The following is an entry in ClinVar:

ClinVar aggregate classification (germline): Uncertain significance. Review status: criteria provided, multiple submitters, no conflicts (2 of 4 stars). 2 submissions from 2 submitters: Uncertain significance (2). Last evaluated 2025-04-01.

Conditions:
Familial focal epilepsy with variable foci (FPEVF). Identifiers: Orphanet 98820, MedGen C1858477, MONDO:0020310.

Allele frequency attached by ClinVar (database versions not stated): gnomAD 0.00001; gnomAD exomes 0.00001 and 0.00003; ExAC 0.00002; TOPMed 0.00002.
gnomAD v4.1: 13 of 1,614,004 alleles (0.00081%); highest among the groups gnomAD compares: East Asian, 0.025%; no homozygotes.

Submissions (2):

CeGaT Center for Human Genetics Tuebingen
Classification: Uncertain significance. Last evaluated: 2025-04-01. Review status: criteria provided, single submitter. Criteria: CeGaT Center For Human Genetics Tuebingen Variant Classification Criteria Version 2. Collection method: clinical testing. Allele origin: germline. Affected: yes. Observed: 1 variant allele.
Comment: DEPDC5: PM2, BP4

Labcorp Genetics (formerly Invitae), Labcorp
Classification: Uncertain significance for Familial focal epilepsy with variable foci. Last evaluated: 2024-07-19. Review status: criteria provided, single submitter. Criteria: Invitae Variant Classification Sherloc (09022015). Collection method: clinical testing. Allele origin: germline.
Comment: This sequence change replaces alanine, which is neutral and non-polar, with threonine, which is neutral and polar, at codon 964 of the DEPDC5 protein (p.Ala964Thr). This variant is present in population databases (rs780008727, gnomAD 0.03%). This variant has not been reported in the literature in individuals affected with DEPDC5-related conditions. ClinVar contains an entry for this variant (Variation ID: 407349). Experimental studies and prediction algorithms are not available or were not evaluated, and the functional significance of this variant is currently unknown. In summary, the available evidence is currently insufficient to determine the role of this variant in disease. Therefore, it has been classified as a Variant of Uncertain Significance.

NM_001242896.3(DEPDC5):c.2890G>A (p.Ala964Thr)

Gene: DEPDC5 (DEP domain containing 5, GATOR1 subcomplex subunit; plus strand). Cytogenetic location: 22q12.3.
Variant type: single nucleotide variant.
Coding change: c.2890G>A on transcript NM_001242896.3 (MANE Select); coding-DNA position 2890, G replaced by A.
Protein change: p.Ala964Thr; replaces alanine 964 with threonine.
Molecular consequence: missense variant. On other transcripts: non-coding transcript variant (5).
Genome position (GRCh38, 1-based): chr22:31,845,106, G>A. VCF-style: chr22-31845106-G-A. GRCh37 (hg19) VCF-style: chr22-32241092-G-A.
Other names: c.2863G>A, p.Ala955Thr (NM_001136029.4, NM_001369903.1, NM_014662.6); c.2656G>A, p.Ala886Thr (NM_001242897.2, NM_001363854.2, NM_001364319.2); c.2890G>A, p.Ala964Thr (NM_001363852.2, NM_001364318.2, NM_001364320.2); c.2806G>A, p.Ala936Thr (NM_001369901.1, NM_001369902.1); short protein forms A964T, A886T, A955T, A936T.
Identifiers: ClinVar variation 407349 (VCV000407349.20), dbSNP rs780008727, ClinGen allele CA10196825.